The following is an entry in ClinVar:

NM_017999.5(RNF31):c.1438C>T (p.Arg480Cys)

Gene: RNF31 (ring finger protein 31; plus strand). Cytogenetic location: 14q12.
Variant type: single nucleotide variant.
Coding change: c.1438C>T on transcript NM_017999.5 (MANE Select); coding-DNA position 1438, C replaced by T.
Protein change: p.Arg480Cys; replaces arginine 480 with cysteine.
Molecular consequence: missense variant.
Genome position (GRCh38, 1-based): chr14:24,150,838, C>T. VCF-style: chr14-24150838-C-T. GRCh37 (hg19) VCF-style: chr14-24620047-C-T.
Other names: p.Arg480Cys; c.1438C>T (NM_017999.4); c.985C>T, p.Arg329Cys (NM_001310332.2); short protein forms R480C, R329C.
Identifiers: ClinVar variation 1479814 (VCV001479814.15), dbSNP rs200344424, ClinGen allele CA7125765.

ClinVar aggregate classification (germline): Uncertain significance. Review status: criteria provided, multiple submitters, no conflicts (2 of 4 stars). 5 submissions from 5 submitters: Uncertain significance (4). 1 of the submissions does not count toward it. Last evaluated 2025-10-07.

Conditions:
RNF31-related disorder. Also called: RNF31-related condition.

Allele frequency attached by ClinVar (database versions not stated): gnomAD exomes 0.00017; ExAC 0.00018; ESP Exome Variant Server 0.00032; gnomAD 0.00052 and 0.00054; TOPMed 0.00056; 1000 Genomes Project 0.00060; 1000 Genomes Project 30x 0.00078.
gnomAD v4.1: 180 of 1,581,068 alleles (0.011%); highest among the groups gnomAD compares: African/African-American, 0.17%; no homozygotes.

Submissions (5):

Mayo Clinic Laboratories, Mayo Clinic
Classification: Uncertain significance. Last evaluated: 2025-10-07. Review status: criteria provided, single submitter. Criteria: ACMG Guidelines, 2015. Collection method: clinical testing. Allele origin: germline. Observed: 2 variant alleles.
Comment: BP4

Labcorp Genetics (formerly Invitae), Labcorp
Classification: Uncertain significance. Last evaluated: 2025-08-02. Review status: criteria provided, single submitter. Criteria: Invitae Variant Classification Sherloc (09022015). Collection method: clinical testing. Allele origin: germline.
Comment: This sequence change replaces arginine, which is basic and polar, with cysteine, which is neutral and slightly polar, at codon 480 of the RNF31 protein (p.Arg480Cys). This variant is present in population databases (rs200344424, gnomAD 0.2%), and has an allele count higher than expected for a pathogenic variant. This variant has not been reported in the literature in individuals affected with RNF31-related conditions. ClinVar contains an entry for this variant (Variation ID: 1479814). An algorithm developed to predict the effect of missense changes on protein structure and function (PolyPhen-2) suggests that this variant is likely to be disruptive. In summary, the available evidence is currently insufficient to determine the role of this variant in disease. Therefore, it has been classified as a Variant of Uncertain Significance.

Ambry Genetics
Classification: Uncertain significance. Last evaluated: 2025-05-20. Review status: criteria provided, single submitter. Criteria: Ambry Variant Classification Scheme 2023. Collection method: clinical testing. Allele origin: germline.

Blueprint Genetics
Classification: Uncertain significance. Last evaluated: 2021-11-03. Review status: criteria provided, single submitter. Criteria: ACMG Guidelines, 2015. Collection method: clinical testing. Allele origin: germline.

PreventionGenetics, part of Exact Sciences
Classification: Likely benign for RNF31-related condition. Last evaluated: 2023-06-12. Review status: no assertion criteria provided. Collection method: clinical testing. Allele origin: germline. Not counted in ClinVar's aggregate classification.
Comment: This variant is classified as likely benign based on ACMG/AMP sequence variant interpretation guidelines (Richards et al. 2015 PMID: 25741868, with internal and published modifications).